The following is an entry in ClinVar:

NM_001903.5(CTNNA1):c.457C>A (p.Gln153Lys)

Gene: CTNNA1 (catenin alpha 1; plus strand). Cytogenetic location: 5q31.2.
Variant type: single nucleotide variant.
Coding change: c.457C>A on transcript NM_001903.5 (MANE Select); coding-DNA position 457, C replaced by A.
Protein change: p.Gln153Lys; replaces glutamine 153 with lysine.
Molecular consequence: missense variant.
Genome position (GRCh38, 1-based): chr5:138,810,193, C>A. VCF-style: chr5-138810193-C-A. GRCh37 (hg19) VCF-style: chr5-138145882-C-A.
Other names: c.457C>A (NM_001903.2); c.457C>A, p.Gln153Lys (NM_001290307.3, NM_001323982.2, NM_001323983.1 and 3 more transcripts); c.148C>A, p.Gln50Lys (NM_001290309.3); c.88C>A, p.Gln30Lys (NM_001290310.3); short protein forms Q30K, Q50K, Q153K.
Identifiers: ClinVar variation 665245 (VCV000665245.11), dbSNP rs1219993763, ClinGen allele CA361123721.

ClinVar aggregate classification (germline): Uncertain significance. Review status: criteria provided, multiple submitters, no conflicts (2 of 4 stars). 2 submissions from 2 submitters: Uncertain significance (2). Last evaluated 2025-11-24.

Conditions:
Hereditary cancer-predisposing syndrome. Also called: Tumor predisposition; Hereditary neoplastic syndrome; Neoplastic Syndromes, Hereditary; Hereditary Cancer Syndrome. Identifiers: Orphanet 140162, MedGen C0027672, MeSH D009386, MONDO:0015356.

gnomAD v4.1: 17 of 1,613,944 alleles (0.0011%); highest among the groups gnomAD compares: Non-Finnish European, 0.00076%; no homozygotes.

Submissions (2):

Labcorp Genetics (formerly Invitae), Labcorp
Classification: Uncertain significance. Last evaluated: 2025-11-24. Review status: criteria provided, single submitter. Criteria: Invitae Variant Classification Sherloc (09022015). Collection method: clinical testing. Allele origin: germline.
Comment: This sequence change replaces glutamine, which is neutral and polar, with lysine, which is basic and polar, at codon 153 of the CTNNA1 protein (p.Gln153Lys). This variant is not present in population databases (gnomAD no frequency). This variant has not been reported in the literature in individuals affected with CTNNA1-related conditions. ClinVar contains an entry for this variant (Variation ID: 665245). Invitae Evidence Modeling of protein sequence and biophysical properties (such as structural, functional, and spatial information, amino acid conservation, physicochemical variation, residue mobility, and thermodynamic stability) indicates that this missense variant is not expected to disrupt CTNNA1 protein function with a negative predictive value of 80%. In summary, the available evidence is currently insufficient to determine the role of this variant in disease. Therefore, it has been classified as a Variant of Uncertain Significance.

Ambry Genetics
Classification: Uncertain significance for Hereditary cancer-predisposing syndrome. Last evaluated: 2024-08-20. Review status: criteria provided, single submitter. Criteria: Ambry Variant Classification Scheme 2023. Collection method: clinical testing. Allele origin: germline.
Comment: The p.Q153K variant (also known as c.457C>A), located in coding exon 3 of the CTNNA1 gene, results from a C to A substitution at nucleotide position 457. The glutamine at codon 153 is replaced by lysine, an amino acid with similar properties. In one study, this alteration was identified in 2/151,425 individuals who underwent multi-gene germline genetic testing and classified as a variant of uncertain significance by the authors (Clark DF et al. Genet Med, 2020 May;22:840-846). This amino acid position is well conserved in available vertebrate species. In addition, the in silico prediction for this alteration is inconclusive. The evidence for this gene-disease relationship is limited; therefore, the clinical significance of this alteration is unclear.

Literature cited by the submitters: PubMed 32051609 (cited by Ambry Genetics).